The following is an entry in ClinVar:

ClinVar aggregate classification (germline): Uncertain significance. Review status: criteria provided, multiple submitters, no conflicts (2 of 4 stars). 2 submissions from 2 submitters: Uncertain significance (2). Last evaluated 2026-11-20.

Conditions:
Combined immunodeficiency due to LRBA deficiency. Also called: Common variable immunodeficiency 8, with autoimmunity. Identifiers: Orphanet 445018, MedGen C3553512, MONDO:0013863, OMIM 614700.
STING-associated vasculopathy with onset in infancy. Also called: Sting-associated vasculopathy, infantile-onset. Identifiers: Orphanet 425120, MedGen C4014722, MONDO:0014405, OMIM 615934.

Allele frequency attached by ClinVar (database versions not stated): TOPMed 0.00002; gnomAD exomes below 0.00001.
gnomAD v4.1: 4 of 1,614,066 alleles (0.00025%); highest among the groups gnomAD compares: Non-Finnish European, 0.00017%; no homozygotes.

Submissions (2):

Department of Human Genetics, Hannover Medical School
Classification: Uncertain significance for Combined immunodeficiency due to LRBA deficiency. Last evaluated: 2026-11-20. Review status: criteria provided, single submitter. Criteria: ACMG Guidelines, 2015. Collection method: clinical testing. Allele origin: germline. Affected: yes.

Labcorp Genetics (formerly Invitae), Labcorp
Classification: Uncertain significance for STING-associated vasculopathy with onset in infancy. Last evaluated: 2023-10-20. Review status: criteria provided, single submitter. Criteria: Invitae Variant Classification Sherloc (09022015). Collection method: clinical testing. Allele origin: germline.
Comment: This sequence change replaces valine, which is neutral and non-polar, with methionine, which is neutral and non-polar, at codon 208 of the TMEM173 protein (p.Val208Met). This variant is present in population databases (no rsID available, gnomAD 0.0009%). This variant has not been reported in the literature in individuals affected with TMEM173-related conditions. Advanced modeling of protein sequence and biophysical properties (such as structural, functional, and spatial information, amino acid conservation, physicochemical variation, residue mobility, and thermodynamic stability) has been performed at Invitae for this missense variant, however the output from this modeling did not meet the statistical confidence thresholds required to predict the impact of this variant on TMEM173 protein function. In summary, the available evidence is currently insufficient to determine the role of this variant in disease. Therefore, it has been classified as a Variant of Uncertain Significance.

NM_198282.4(STING1):c.622G>A (p.Val208Met)

Genes: SMIM33 (small integral membrane protein 33; plus strand), STING1 (stimulator of interferon response cGAMP interactor 1; minus strand). Cytogenetic location: 5q31.2.
Variant type: single nucleotide variant.
Coding change: c.622G>A on transcript NM_198282.4 (MANE Select); coding-DNA position 622, G replaced by A.
Protein change: p.Val208Met; replaces valine 208 with methionine.
Molecular consequence: missense variant.
Genome position (GRCh38, 1-based): chr5:139,478,407, C>T on the plus strand (G>A on the coding strand, the complement: STING1 is on the minus strand). VCF-style: chr5-139478407-C-T. GRCh37 (hg19) VCF-style: chr5-138857992-C-T.
Other names: c.622G>A, p.Val208Met (NM_001301738.2); c.265G>A, p.Val89Met (NM_001367258.1); short protein forms V208M, V89M.
Identifiers: ClinVar variation 2777724 (VCV002777724.4), dbSNP rs1236854527, ClinGen allele CA361480154.
Genomic context (GRCh38, chr5:139,478,407, plus strand): 5'-GCTGGGGCAGTTTATCCAGGAAGCGAATGTTGGGGTCAGCCATACTCAGGTTATCAGGCA[C>T]CCCACAGTCCAATGGGAGGAGAATATACAGCCGCTGGCTCACTGCACCCCGTAGCAGGTT-3'
Protein context (NP_938023.1, residues 198-218): LYILLPLDCG[Val208Met]PDNLSMADPN